The following is an entry in ClinVar:

NM_001478.5(B4GALNT1):c.14G>T (p.Arg5Leu)

Gene: B4GALNT1 (beta-1,4-N-acetyl-galactosaminyltransferase 1; minus strand). Cytogenetic location: 12q13.3.
Variant type: single nucleotide variant.
Coding change: c.14G>T on transcript NM_001478.5 (MANE Select); coding-DNA position 14, G replaced by T.
Protein change: p.Arg5Leu; replaces arginine 5 with leucine.
Molecular consequence: missense variant.
Genome position (GRCh38, 1-based): chr12:57,632,119, C>A on the plus strand (G>T on the coding strand, the complement: B4GALNT1 is on the minus strand). VCF-style: chr12-57632119-C-A. GRCh37 (hg19) VCF-style: chr12-58025902-C-A.
Other names: c.14G>T, p.Arg5Leu (NM_001276468.2, NM_001276469.2); short protein forms R5L.
Identifiers: ClinVar variation 999971 (VCV000999971.8), dbSNP rs1379563517, ClinGen allele CA385503560.

ClinVar aggregate classification (germline): Uncertain significance (1 of 4 stars; one submission).

Conditions:
Spastic paraplegia. Identifiers: MedGen C0037772, HP:0001258.

Allele frequency attached by ClinVar (database versions not stated): gnomAD 0.00001; gnomAD exomes 0.00001; TOPMed 0.00002.

Submission:

Labcorp Genetics (formerly Invitae), Labcorp
Classification: Uncertain significance for Spastic paraplegia. Last evaluated: 2022-03-26. Review status: criteria provided, single submitter. Criteria: Invitae Variant Classification Sherloc (09022015). Collection method: clinical testing. Allele origin: germline.
Comment: Algorithms developed to predict the effect of missense changes on protein structure and function are either unavailable or do not agree on the potential impact of this missense change (SIFT: "Deleterious"; PolyPhen-2: "Not Available"; Align-GVGD: "Class C0"). This sequence change replaces arginine, which is basic and polar, with leucine, which is neutral and non-polar, at codon 5 of the B4GALNT1 protein (p.Arg5Leu). The frequency data for this variant in the population databases is considered unreliable, as metrics indicate poor data quality at this position in the gnomAD database. This variant has not been reported in the literature in individuals affected with B4GALNT1-related conditions. ClinVar contains an entry for this variant (Variation ID: 999971). In summary, the available evidence is currently insufficient to determine the role of this variant in disease. Therefore, it has been classified as a Variant of Uncertain Significance.